The following is an entry in ClinVar:

ClinVar aggregate classification (germline): Uncertain significance. Review status: criteria provided, multiple submitters, no conflicts (2 of 4 stars). 2 submissions from 2 submitters: Uncertain significance (2). Last evaluated 2026-09-21.

Conditions:
Cardiovascular phenotype. Identifiers: MedGen CN230736.

gnomAD v4.1: 1 of 1,613,502 alleles (0.000062%); highest among the groups gnomAD compares: Non-Finnish European, 0.000085%; no homozygotes.

Submissions (2):

Molecular Diagnostic Laboratory for Inherited Cardiovascular Disease, Montreal Heart Institute
Classification: Uncertain significance for Cardiovascular phenotype. Last evaluated: 2026-09-21. Review status: criteria provided, single submitter. Criteria: ACMG Guidelines, 2015. Collection method: clinical testing. Allele origin: germline. Affected: yes.
Comment: PM1, PM2, PP2, PP3

GeneDx
Classification: Uncertain significance. Last evaluated: 2026-01-22. Review status: criteria provided, single submitter. Criteria: GeneDx Variant Classification Process June 2021. Collection method: clinical testing. Allele origin: germline.
Comment: Not observed at significant frequency in large population cohorts (gnomAD); In silico analysis supports that this missense variant has a deleterious effect on protein structure/function; Has not been previously published as pathogenic or benign to our knowledge; This variant is associated with the following publications: (PMID: 19926015)

NM_001035.3(RYR2):c.14528G>A (p.Arg4843Gln)

Gene: RYR2 (ryanodine receptor 2; plus strand). Cytogenetic location: 1q43.
Variant type: single nucleotide variant.
Coding change: c.14528G>A on transcript NM_001035.3 (MANE Select); coding-DNA position 14528, G replaced by A.
Protein change: p.Arg4843Gln; replaces arginine 4843 with glutamine.
Molecular consequence: missense variant.
Genome position (GRCh38, 1-based): chr1:237,819,130, G>A. VCF-style: chr1-237819130-G-A. GRCh37 (hg19) VCF-style: chr1-237982430-G-A.
Other names: short protein forms R4843Q.
Identifiers: ClinVar variation 4086395 (VCV004086395.3), dbSNP rs1662153214.